The following is an entry in ClinVar:

ClinVar aggregate classification (germline): Likely benign. Review status: criteria provided, multiple submitters, no conflicts (2 of 4 stars). 3 submissions from 3 submitters: Likely benign (3). Last evaluated 2025-06-09.

Conditions:
Episodic ataxia type 2 (EA2). Also called: ACETAZOLAMIDE-RESPONSIVE HEREDITARY PAROXYSMAL CEREBELLAR ATAXIA; ATAXIA, EPISODIC, WITH NYSTAGMUS; ATAXIA, FAMILIAL PAROXYSMAL; CEREBELLAR ATAXIA, PAROXYSMAL, ACETAZOLAMIDE-RESPONSIVE; CEREBELLOPATHY, HEREDITARY PAROXYSMAL; EPISODIC ATAXIA, NYSTAGMUS-ASSOCIATED. Identifiers: Orphanet 97, MedGen C1720416, MONDO:0007163, OMIM 108500.
Developmental and epileptic encephalopathy, 42 (DEE42A). Also called: Epileptic encephalopathy, early infantile, 42; DEVELOPMENTAL AND EPILEPTIC ENCEPHALOPATHY 42A; EPILEPTIC ENCEPHALOPATHY, EARLY INFANTILE, 42A. Identifiers: MedGen C4310716, MONDO:0014917, OMIM 617106.

Allele frequency attached by ClinVar (database versions not stated): gnomAD exomes 0.00002; gnomAD 0.00003 and 0.00004; ExAC 0.00004; TOPMed 0.00005; ESP Exome Variant Server 0.00009.
gnomAD v4.1: 36 of 1,561,108 alleles (0.0023%); highest among the groups gnomAD compares: Middle Eastern, 0.023%; no homozygotes.

Submissions (3):

Labcorp Genetics (formerly Invitae), Labcorp
Classification: Likely benign for Developmental and epileptic encephalopathy, 42; Episodic ataxia type 2. Last evaluated: 2025-06-09. Review status: criteria provided, single submitter. Criteria: Invitae Variant Classification Sherloc (09022015). Collection method: clinical testing. Allele origin: germline.

Blueprint Genetics
Classification: Likely benign. Last evaluated: 2024-07-24. Review status: criteria provided, single submitter. Criteria: ACMG Guidelines, 2015. Collection method: clinical testing. Allele origin: germline.

GeneDx
Classification: Likely benign. Last evaluated: 2016-07-26. Review status: criteria provided, single submitter. Criteria: GeneDx Variant Classification (06012015). Collection method: clinical testing. Allele origin: germline. Affected: yes.
Comment: This variant is considered likely benign or benign based on one or more of the following criteria: it is a conservative change, it occurs at a poorly conserved position in the protein, it is predicted to be benign by multiple in silico algorithms, and/or has population frequency not consistent with disease.

NM_001127222.2(CACNA1A):c.6339+9C>T

Gene: CACNA1A (calcium voltage-gated channel subunit alpha1 A; minus strand). Cytogenetic location: 19p13.13.
Variant type: single nucleotide variant.
Coding change: c.6339+9C>T on transcript NM_001127222.2 (MANE Select); 9 bases into the intron after coding-DNA position 6339, C replaced by T.
Molecular consequence: intron variant.
Genome position (GRCh38, 1-based): chr19:13,210,608, G>A on the plus strand (C>T on the coding strand, the complement: CACNA1A is on the minus strand). VCF-style: chr19-13210608-G-A. GRCh37 (hg19) VCF-style: chr19-13321422-G-A.
Other names: c.6342+9C>T (NM_001127221.2); c.6348+9C>T (NM_001174080.2); c.6357+9C>T (NM_000068.4, NM_023035.3).
Identifiers: ClinVar variation 388045 (VCV000388045.14), dbSNP rs369361580, ClinGen allele CA9239385.